The following is an entry in ClinVar:

ClinVar aggregate classification (germline): Likely benign (1 of 4 stars; one submission).

Conditions:
ADCY3-related disorder. Also called: ADCY3-related condition.

gnomAD v4.1: 10 of 1,563,494 alleles (0.00064%); highest among the groups gnomAD compares: East Asian, 0.0094%; no homozygotes.

Submission:

PreventionGenetics, part of Exact Sciences
Classification: Likely benign for ADCY3-related condition. Last evaluated: 2026-06-29. Review status: criteria provided, single submitter. Criteria: ACMG Guidelines, 2015. Collection method: clinical testing. Allele origin: germline.
Comment: This variant is classified as likely benign based on ACMG/AMP sequence variant interpretation guidelines (Richards et al. 2015 PMID: 25741868, with internal and published modifications).

NM_004036.5(ADCY3):c.3288C>T (p.Tyr1096=)

Genes: ADCY3 (adenylate cyclase 3; minus strand), CENPO (centromere protein O; plus strand). Cytogenetic location: 2p23.3.
Variant type: single nucleotide variant.
Coding change: c.3288C>T on transcript NM_004036.5 (MANE Select); coding-DNA position 3288, C replaced by T.
Protein change: p.Tyr1096=; no amino-acid change (tyrosine 1096 retained).
Molecular consequence: synonymous variant. On other transcripts: 3 prime UTR variant (4), non-coding transcript variant (3).
Genome position (GRCh38, 1-based): chr2:24,820,079, G>A on the plus strand (C>T on the coding strand, the complement: ADCY3 is on the minus strand). VCF-style: chr2-24820079-G-A. GRCh37 (hg19) VCF-style: chr2-25042948-G-A.
Other names: c.3291C>T, p.Tyr1097= (NM_001320613.2); c.3354C>T, p.Tyr1118= (NM_001377128.1); c.3150C>T, p.Tyr1050= (NM_001377129.1); c.*29C>T (NM_001377130.1); c.2565C>T, p.Tyr855= (NM_001377131.1); c.3288C>T, p.Tyr1096= (NM_001377132.1); c.*761G>A (NM_001199803.3, NM_001322101.2, NM_024322.4).
Identifiers: ClinVar variation 4983747 (VCV004983747.1).